The following is an entry in ClinVar:

ClinVar aggregate classification (germline): Uncertain significance. Review status: criteria provided, multiple submitters, no conflicts (2 of 4 stars). 2 submissions from 2 submitters: Uncertain significance (2). Last evaluated 2025-05-01.

Conditions:
Inborn genetic diseases. Identifiers: MedGen C0950123, MeSH D030342.

Allele frequency attached by ClinVar (database versions not stated): gnomAD exomes 0.00005; gnomAD 0.00007; ExAC 0.00009; TOPMed 0.00010; 1000 Genomes Project 30x 0.00031.

Submissions (2):

Labcorp Genetics (formerly Invitae), Labcorp
Classification: Uncertain significance. Last evaluated: 2025-05-01. Review status: criteria provided, single submitter. Criteria: Invitae Variant Classification Sherloc (09022015). Collection method: clinical testing. Allele origin: germline.
Comment: This sequence change replaces tryptophan, which is neutral and slightly polar, with arginine, which is basic and polar, at codon 319 of the SOX18 protein (p.Trp319Arg). This variant is present in population databases (rs775039437, gnomAD 0.02%). This variant has not been reported in the literature in individuals affected with SOX18-related conditions. ClinVar contains an entry for this variant (Variation ID: 2048222). Invitae Evidence Modeling of protein sequence and biophysical properties (such as structural, functional, and spatial information, amino acid conservation, physicochemical variation, residue mobility, and thermodynamic stability) indicates that this missense variant is not expected to disrupt SOX18 protein function with a negative predictive value of 80%. In summary, the available evidence is currently insufficient to determine the role of this variant in disease. Therefore, it has been classified as a Variant of Uncertain Significance.

Ambry Genetics
Classification: Uncertain significance for Inborn genetic diseases. Last evaluated: 2025-03-19. Review status: criteria provided, single submitter. Criteria: Ambry Variant Classification Scheme 2023. Collection method: clinical testing. Allele origin: germline.

NM_018419.3(SOX18):c.955T>C (p.Trp319Arg)

Gene: SOX18 (SRY-box transcription factor 18; minus strand). Cytogenetic location: 20q13.33.
Variant type: single nucleotide variant.
Coding change: c.955T>C on transcript NM_018419.3 (MANE Select); coding-DNA position 955, T replaced by C.
Protein change: p.Trp319Arg; replaces tryptophan 319 with arginine.
Molecular consequence: missense variant.
Genome position (GRCh38, 1-based): chr20:64,048,366, A>G on the plus strand (T>C on the coding strand, the complement: SOX18 is on the minus strand). VCF-style: chr20-64048366-A-G. GRCh37 (hg19) VCF-style: chr20-62679719-A-G.
Other names: c.955T>C (NM_018419.2); short protein forms W319R.
Identifiers: ClinVar variation 2048222 (VCV002048222.4), dbSNP rs775039437, ClinGen allele CA9972834.
Genomic context (GRCh38, chr20:64,048,366, plus strand): 5'-CGGGCCGAGTCCGGCTGCAGTTGAGGTACTGGTCGAACTCGGTGAGGTCCACGTCGGCCC[A>G]CAGATCGGCGGCGGGCCCCAGCGGCTCGGCGCTCTCCAGCGGCGGGGCCTCGGGCGGCGG-3'
Protein context (NP_060889.1, residues 309-329): AEPLGPAADL[Trp319Arg]ADVDLTEFDQ